The following is an entry in ClinVar:

NM_030662.4(MAP2K2):c.498C>T (p.Pro166=)

Gene: MAP2K2 (mitogen-activated protein kinase kinase 2; minus strand). Cytogenetic location: 19p13.3.
Variant type: single nucleotide variant.
Coding change: c.498C>T on transcript NM_030662.4 (MANE Select); coding-DNA position 498, C replaced by T.
Protein change: p.Pro166=; no amino-acid change (proline 166 retained).
Molecular consequence: synonymous variant.
Genome position (GRCh38, 1-based): chr19:4,102,406, G>A on the plus strand (C>T on the coding strand, the complement: MAP2K2 is on the minus strand). VCF-style: chr19-4102406-G-A. GRCh37 (hg19) VCF-style: chr19-4102404-G-A.
Other names: p.P166P; NM_030662.3(MAP2K2):c.498C>T.
Identifiers: ClinVar variation 40802 (VCV000040802.65), dbSNP rs139404261, ClinGen allele CA137946.
Genomic context (GRCh38, chr19:4,102,406, plus strand): 5'-GGGCGCGATGTGGGTCTGCGGTGGACTCACCGCGATGCTGACTTTCCCCAGGATCTCCTC[G>A]GGAATCCTCTTGGCCTCTTTCAGCACCTGGTCCAGGGAGCCGCCGTCCTAGAGGGCACAC-3'
Protein context (NP_109587.1, residues 156-176): DQVLKEAKRI[Pro166=]EEILGKVSIA

ClinVar aggregate classification (germline): Benign. Review status: reviewed by expert panel (3 of 4 stars). 12 submissions from 12 submitters: Benign (1). 11 of the submissions do not count toward it. Last evaluated 2017-05-09.

Conditions:
Noonan syndrome and Noonan-related syndrome. Identifiers: Orphanet 98733, MedGen C5681679, MONDO:0020297.
Cardiovascular phenotype. Identifiers: MedGen CN230736.
RASopathy. Also called: rasopathies; Noonan spectrum disorder. Identifiers: Orphanet 536391, MedGen C5555857, MONDO:0021060.

Allele frequency attached by ClinVar (database versions not stated): 1000 Genomes Project 30x 0.00016; 1000 Genomes Project 0.00020; gnomAD exomes 0.00051; gnomAD 0.00071 and 0.00076; TOPMed 0.00073; ExAC 0.00074; ESP Exome Variant Server 0.00085.
gnomAD v4.1: 1,755 of 1,606,044 alleles (0.11%); highest among the groups gnomAD compares: Non-Finnish European, 0.14%; 3 homozygotes.

Submissions (12):

ClinGen RASopathy Variant Curation Expert Panel
Classification: Benign for Noonan syndrome and Noonan-related syndrome. Last evaluated: 2017-05-09. Review status: reviewed by expert panel. Criteria: ClinGen RASopathy ACMG Specifications v1. Collection method: curation. Allele origin: germline. Inheritance: Autosomal dominant inheritance.
Comment: The filtering allele frequency of the c.498C>T (p.Pro166=) variant in the MAP2K2 gene is 0.081% (37/33932) of European chromosomes by the Exome Aggregation Consortium, which is a high enough frequency to be classified as benign based on thresholds defined by the ClinGen RASopathy Expert Panel (BA1; PMID:29493581)

CeGaT Center for Human Genetics Tuebingen
Classification: Likely benign. Last evaluated: 2026-05-01. Review status: criteria provided, single submitter. Criteria: CeGaT Center For Human Genetics Tuebingen Variant Classification Criteria Version 2. Collection method: clinical testing. Allele origin: germline. Affected: yes. Observed: 8 variant alleles. Not counted in ClinVar's aggregate classification.
Comment: MAP2K2: BP4, BP7

Labcorp Genetics (formerly Invitae), Labcorp
Classification: Benign for RASopathy. Last evaluated: 2026-01-21. Review status: criteria provided, single submitter. Criteria: Invitae Variant Classification Sherloc (09022015). Collection method: clinical testing. Allele origin: germline. Not counted in ClinVar's aggregate classification.

Blueprint Genetics
Classification: Likely benign. Last evaluated: 2024-08-30. Review status: criteria provided, single submitter. Criteria: ACMG Guidelines, 2015. Collection method: clinical testing. Allele origin: germline. Not counted in ClinVar's aggregate classification.

Ambry Genetics
Classification: Benign for Cardiovascular phenotype. Last evaluated: 2020-11-30. Review status: criteria provided, single submitter. Criteria: Ambry Variant Classification Scheme 2023. Collection method: clinical testing. Allele origin: germline. Not counted in ClinVar's aggregate classification.

Genome Diagnostics Laboratory, The Hospital for Sick Children
Classification: Benign for Noonan syndrome and Noonan-related syndrome. Last evaluated: 2019-04-01. Review status: criteria provided, single submitter. Criteria: ACMG Guidelines, 2015. Collection method: clinical testing. Allele origin: germline. Not counted in ClinVar's aggregate classification.

Eurofins Ntd Llc (ga)
Classification: Uncertain significance. Last evaluated: 2016-10-14. Review status: criteria provided, single submitter. Criteria: EGL Classification Definitions 2015. Collection method: clinical testing. Allele origin: germline. Observed: 1 variant allele, 1 heterozygote. Not counted in ClinVar's aggregate classification.

GeneDx
Classification: Benign. Last evaluated: 2015-03-03. Review status: criteria provided, single submitter. Criteria: GeneDx Variant Classification Process June 2021. Collection method: clinical testing. Allele origin: germline. Affected: yes. Not counted in ClinVar's aggregate classification.

Laboratory for Molecular Medicine, Mass General Brigham Personalized Medicine
Classification: Likely benign. Last evaluated: 2012-11-13. Review status: criteria provided, single submitter. Criteria: LMM Criteria. Collection method: clinical testing. Allele origin: germline. Observed: 7 variant alleles. Not counted in ClinVar's aggregate classification.
Comment: Pro166Pro in exon 4 of MAP2K2: This variant is not expected to have clinical sig nificance because it does not alter an amino acid residue, is not located within the splice consensus sequence, and has been identified in 0.13% (11/8600) of Eu ropean American chromosomes from a broad population by the NHLBI Exome Sequencin g Project (dbSNP rs139404261).

PreventionGenetics, part of Exact Sciences
Classification: Likely benign. Review status: criteria provided, single submitter. Criteria: ACMG Guidelines, 2015. Collection method: clinical testing. Allele origin: germline. Not counted in ClinVar's aggregate classification.

Clinical Genetics DNA and cytogenetics Diagnostics Lab, Erasmus MC, Erasmus Medical Center
Classification: Likely benign. Review status: no assertion criteria provided. Collection method: clinical testing. Allele origin: germline. Affected: yes. Study: VKGL Data-share Consensus. Not counted in ClinVar's aggregate classification.

Clinical Genetics, Academic Medical Center
Classification: Benign. Review status: no assertion criteria provided. Collection method: clinical testing. Allele origin: germline. Affected: yes. Study: VKGL Data-share Consensus. Not counted in ClinVar's aggregate classification.